The following is an entry in ClinVar:

NM_001035.3(RYR2):c.14884T>A (p.Tyr4962Asn)

Gene: RYR2 (ryanodine receptor 2; plus strand). Cytogenetic location: 1q43.
Variant type: single nucleotide variant.
Coding change: c.14884T>A on transcript NM_001035.3 (MANE Select); coding-DNA position 14884, T replaced by A.
Protein change: p.Tyr4962Asn; replaces tyrosine 4962 with asparagine.
Molecular consequence: missense variant.
Genome position (GRCh38, 1-based): chr1:237,832,627, T>A. VCF-style: chr1-237832627-T-A. GRCh37 (hg19) VCF-style: chr1-237995927-T-A.
Other names: p.Y4962N:TAT>AAT; c.14884T>A, p.Tyr4962Asn (LRG_402t1); short protein forms Y4962N.
Identifiers: ClinVar variation 201366 (VCV000201366.52), dbSNP rs748937501, ClinGen allele CA008458.

ClinVar aggregate classification (germline): Conflicting classifications of pathogenicity. Review status: criteria provided, conflicting classifications (1 of 4 stars). 8 submissions from 8 submitters: Likely pathogenic (1); Uncertain significance (7). Last evaluated 2024-12-02.

Conditions:
Ventricular arrhythmias due to cardiac ryanodine receptor calcium release deficiency syndrome. Also called: Autosomal dominant cardiac arrhythmia (Kuhn). Identifiers: MedGen C5542154, MONDO:0020745, OMIM 115000.
Catecholaminergic polymorphic ventricular tachycardia 1. Also called: RYR2-Related Catecholaminergic Polymorphic Ventricular Tachycardia; VENTRICULAR TACHYCARDIA, STRESS-INDUCED POLYMORPHIC 1; VENTRICULAR TACHYCARDIA, CATECHOLAMINERGIC POLYMORPHIC, 1, WITH OR WITHOUT ATRIAL DYSFUNCTION AND/OR DILATED CARDIOMYOPATHY. Identifiers: Orphanet 3286, MedGen C1631597, MONDO:0011484, OMIM 604772.
Cardiovascular phenotype. Identifiers: MedGen CN230736.
Catecholaminergic polymorphic ventricular tachycardia (CVPT). Also called: Catecholamine-induced polymorphic ventricular tachycardia. Identifiers: Orphanet 3286, MedGen C5574922, MONDO:0017990.
Cardiomyopathy (CMYO). Also called: Cardiomyopathies. Identifiers: Orphanet 167848, MedGen C0878544, MONDO:0004994, HP:0001638. Inheritance: Various modes of inheritance.

Allele frequency attached by ClinVar (database versions not stated): TOPMed below 0.00001; gnomAD 0.00001; gnomAD exomes 0.00001 and 0.00002; ExAC 0.00002.
gnomAD v4.1: 35 of 1,610,388 alleles (0.0022%); highest among the groups gnomAD compares: Non-Finnish European, 0.0028%; no homozygotes.

Submissions (8):

Labcorp Genetics (formerly Invitae), Labcorp
Classification: Likely pathogenic for Catecholaminergic polymorphic ventricular tachycardia 1. Last evaluated: 2024-12-02. Review status: criteria provided, single submitter. Criteria: Invitae Variant Classification Sherloc (09022015). Collection method: clinical testing. Allele origin: germline.
Comment: This sequence change replaces tyrosine, which is neutral and polar, with asparagine, which is neutral and polar, at codon 4962 of the RYR2 protein (p.Tyr4962Asn). This variant is present in population databases (rs748937501, gnomAD 0.002%). This variant has not been reported in the literature in individuals affected with RYR2-related conditions. ClinVar contains an entry for this variant (Variation ID: 201366). Invitae Evidence Modeling of protein sequence and biophysical properties (such as structural, functional, and spatial information, amino acid conservation, physicochemical variation, residue mobility, and thermodynamic stability) indicates that this missense variant is expected to disrupt RYR2 protein function with a positive predictive value of 95%. This variant disrupts the p.Tyr4962 amino acid residue in RYR2. Other variant(s) that disrupt this residue have been determined to be pathogenic (PMID: 22787013, 24025405). This suggests that this residue is clinically significant, and that variants that disrupt this residue are likely to be disease-causing. In summary, the currently available evidence indicates that the variant is pathogenic, but additional data are needed to prove that conclusively. Therefore, this variant has been classified as Likely Pathogenic.

Color Diagnostics, LLC DBA Color Health
Classification: Uncertain significance for Cardiomyopathy. Last evaluated: 2023-09-28. Review status: criteria provided, single submitter. Criteria: ACMG Guidelines, 2015. Collection method: clinical testing. Allele origin: germline.
Comment: This missense variant replaces tyrosine with asparagine at codon 4962 of the RYR2 protein. Computational prediction suggests that this variant may have deleterious impact on protein structure and function (internally defined REVEL score threshold >= 0.7, PMID: 27666373). To our knowledge, functional studies have not been reported for this variant. This variant has not been reported in individuals affected with RYR2-related disorders in the literature. This variant has been identified in 2/248080 chromosomes in the general population by the Genome Aggregation Database (gnomAD). The available evidence is insufficient to determine the role of this variant in disease conclusively. Therefore, this variant is classified as a Variant of Uncertain Significance.

All of Us Research Program, National Institutes of Health
Classification: Uncertain significance for Catecholaminergic polymorphic ventricular tachycardia. Last evaluated: 2023-06-28. Review status: criteria provided, single submitter. Criteria: ACMG Guidelines, 2015. Collection method: clinical testing. Allele origin: germline. Inheritance: Autosomal dominant inheritance. Observed: 1 variant allele, 1 heterozygote.
Comment: This missense variant replaces tyrosine with asparagine at codon 4962 of the RYR2 protein. Computational prediction tool suggests that this variant may have deleterious impact on protein structure and function (internally defined REVEL score threshold >=0.7, PMID: 27666373). Splice site prediction tools suggest that this variant may not impact RNA splicing. To our knowledge, functional studies have not been performed for this variant. This variant has not been reported in individuals affected with cardiovascular disorders in the literature. This variant has been identified in 2/248080 chromosomes in the general population by the Genome Aggregation Database (gnomAD). The available evidence is insufficient to determine the role of this variant in disease conclusively. Therefore, this variant is classified as a Variant of Uncertain Significance.

This study involves interpretation of variants in research participants for the purpose of population health screening. Participant phenotype was not available at the time of variant classification. Additional details can be found in publication PMID: 35346344, PMCID: PMC8962531

Department of Pathology and Laboratory Medicine, Sinai Health System
Classification: Uncertain significance for Ventricular arrhythmias due to cardiac ryanodine receptor calcium release deficiency syndrome; Catecholaminergic polymorphic ventricular tachycardia 1. Last evaluated: 2023-06-07. Review status: criteria provided, single submitter. Criteria: ACMG Guidelines, 2015. Collection method: research. Allele origin: germline.

Clinical Genetics Laboratory, Skane University Hospital Lund
Classification: Uncertain significance. Last evaluated: 2022-11-28. Review status: criteria provided, single submitter. Criteria: ACMG Guidelines, 2015. Collection method: clinical testing. Allele origin: germline. Affected: yes.

GeneDx
Classification: Uncertain significance. Last evaluated: 2022-07-15. Review status: criteria provided, single submitter. Criteria: GeneDx Variant Classification Process June 2021. Collection method: clinical testing. Allele origin: germline. Affected: yes.
Comment: Has not been previously published as pathogenic or benign to our knowledge; Not observed at significant frequency in large population cohorts (gnomAD); In silico analysis supports that this missense variant has a deleterious effect on protein structure/function; Not located in one of the three hot-spot regions of the RYR2 gene, where the majority of pathogenic missense variants occur (Medeiros-Domingo et al., 2009); This variant is associated with the following publications: (PMID: 19926015, 26582918)

Blueprint Genetics
Classification: Uncertain significance. Last evaluated: 2021-02-02. Review status: criteria provided, single submitter. Criteria: ACMG Guidelines, 2015. Collection method: clinical testing. Allele origin: germline.

Ambry Genetics
Classification: Uncertain significance for Cardiovascular phenotype. Last evaluated: 2020-06-01. Review status: criteria provided, single submitter. Criteria: Ambry Variant Classification Scheme 2023. Collection method: clinical testing. Allele origin: germline.
Comment: The p.Y4962N variant (also known as c.14884T>A), located in coding exon 105 of the RYR2 gene, results from a T to A substitution at nucleotide position 14884. The tyrosine at codon 4962 is replaced by asparagine, an amino acid with dissimilar properties. A variant at the same amino acid position has been identified in an individual with a family history of catecholaminergic polymorphic ventricular tachycardia (CPVT); however, clinical details are limited (van der Werf C et al. Circ Arrhythm Electrophysiol, 2012 Aug;5:748-56). This amino acid position is highly conserved in available vertebrate species. In addition, this alteration is predicted to be deleterious by in silico analysis. Since supporting evidence is limited at this time, the clinical significance of this alteration remains unclear.

Literature cited by the submitters: PubMed 22787013 (cited by Labcorp Genetics (formerly Invitae), Labcorp); PubMed 24025405 (cited by Labcorp Genetics (formerly Invitae), Labcorp).